The following is an entry in ClinVar:

ClinVar aggregate classification (germline): Benign/Likely benign. Review status: criteria provided, multiple submitters, no conflicts (2 of 4 stars). 3 submissions from 3 submitters: Benign (1); Likely benign (1). 1 of the submissions does not count toward it. Last evaluated 2025-09-16.

Conditions:
SPEG-related disorder. Also called: SPEG-related condition.

Allele frequency attached by ClinVar (database versions not stated): gnomAD exomes 0.00017 and 0.00089; gnomAD 0.00037 and 0.00049; ExAC 0.00085; 1000 Genomes Project 30x 0.00234; 1000 Genomes Project 0.00260.

Submissions (3):

Labcorp Genetics (formerly Invitae), Labcorp
Classification: Benign. Last evaluated: 2025-09-16. Review status: criteria provided, single submitter. Criteria: Invitae Variant Classification Sherloc (09022015). Collection method: clinical testing. Allele origin: germline.

Blueprint Genetics
Classification: Likely benign. Last evaluated: 2024-11-20. Review status: criteria provided, single submitter. Criteria: ACMG Guidelines, 2015. Collection method: clinical testing. Allele origin: germline.

PreventionGenetics, part of Exact Sciences
Classification: Benign for SPEG-related condition. Last evaluated: 2019-05-10. Review status: no assertion criteria provided. Collection method: clinical testing. Allele origin: germline. Not counted in ClinVar's aggregate classification.
Comment: This variant is classified as benign based on ACMG/AMP sequence variant interpretation guidelines (Richards et al. 2015 PMID: 25741868, with internal and published modifications).

NM_005876.5(SPEG):c.8535T>C (p.Pro2845=)

Genes: ASIC4-AS1 (ASIC4 antisense RNA 1; minus strand), SPEG (striated muscle enriched protein kinase; plus strand). Cytogenetic location: 2q35.
Variant type: single nucleotide variant.
Coding change: c.8535T>C on transcript NM_005876.5 (MANE Select); coding-DNA position 8535, T replaced by C.
Protein change: p.Pro2845=; no amino-acid change (proline 2845 retained).
Molecular consequence: synonymous variant.
Genome position (GRCh38, 1-based): chr2:219,489,553, T>C. VCF-style: chr2-219489553-T-C. GRCh37 (hg19) VCF-style: chr2-220354275-T-C.
Identifiers: ClinVar variation 739320 (VCV000739320.13), dbSNP rs201822382, ClinGen allele CA2127518.